The following is an entry in ClinVar:

ClinVar aggregate classification (germline): Uncertain significance. Review status: criteria provided, multiple submitters, no conflicts (2 of 4 stars). 2 submissions from 2 submitters: Uncertain significance (2). Last evaluated 2023-03-23.

Conditions:
Inborn genetic diseases. Identifiers: MedGen C0950123, MeSH D030342.
Combined oxidative phosphorylation defect type 17. Also called: Combined oxidative phosphorylation deficiency 17. Identifiers: Orphanet 369913, MedGen C3809526, MONDO:0014190, OMIM 615440.

Allele frequency attached by ClinVar (database versions not stated): TOPMed below 0.00001; ExAC 0.00001; gnomAD 0.00001; gnomAD exomes 0.00002; 1000 Genomes Project 30x 0.00016; 1000 Genomes Project 0.00020.
gnomAD v4.1: 35 of 1,613,816 alleles (0.0022%); highest among the groups gnomAD compares: Non-Finnish European, 0.003%; no homozygotes.

Submissions (2):

Labcorp Genetics (formerly Invitae), Labcorp
Classification: Uncertain significance for Combined oxidative phosphorylation defect type 17. Last evaluated: 2023-03-23. Review status: criteria provided, single submitter. Criteria: Invitae Variant Classification Sherloc (09022015). Collection method: clinical testing. Allele origin: germline.
Comment: Advanced modeling of protein sequence and biophysical properties (such as structural, functional, and spatial information, amino acid conservation, physicochemical variation, residue mobility, and thermodynamic stability) performed at Invitae indicates that this missense variant is not expected to disrupt ELAC2 protein function. ClinVar contains an entry for this variant (Variation ID: 2140558). This variant has not been reported in the literature in individuals affected with ELAC2-related conditions. This variant is present in population databases (rs543918059, gnomAD 0.003%). This sequence change replaces leucine, which is neutral and non-polar, with valine, which is neutral and non-polar, at codon 158 of the ELAC2 protein (p.Leu158Val). In summary, the available evidence is currently insufficient to determine the role of this variant in disease. Therefore, it has been classified as a Variant of Uncertain Significance.

Ambry Genetics
Classification: Uncertain significance for Inborn genetic diseases. Last evaluated: 2022-06-24. Review status: criteria provided, single submitter. Criteria: Ambry Variant Classification Scheme 2023. Collection method: clinical testing. Allele origin: germline.

NM_018127.7(ELAC2):c.472T>G (p.Leu158Val)

Gene: ELAC2 (elaC ribonuclease Z 2; minus strand). Cytogenetic location: 17p12.
Variant type: single nucleotide variant.
Coding change: c.472T>G on transcript NM_018127.7 (MANE Select); coding-DNA position 472, T replaced by G.
Protein change: p.Leu158Val; replaces leucine 158 with valine.
Molecular consequence: missense variant.
Genome position (GRCh38, 1-based): chr17:13,014,457, A>C on the plus strand (T>G on the coding strand, the complement: ELAC2 is on the minus strand). VCF-style: chr17-13014457-A-C. GRCh37 (hg19) VCF-style: chr17-12917774-A-C.
Other names: c.472T>G, p.Leu158Val (NM_001165962.2, NM_173717.2); c.472T>G (NM_018127.6); short protein forms L158V.
Identifiers: ClinVar variation 2140558 (VCV002140558.4), dbSNP rs543918059, ClinGen allele CA8401648.